The following is an entry in ClinVar:

ClinVar aggregate classification (germline): Uncertain significance. Review status: criteria provided, single submitter (1 of 4 stars). 2 submissions from 2 submitters: Uncertain significance (1). 1 of the submissions does not count toward it. Last evaluated 2023-12-19.

Conditions:
von Willebrand disease type 3 (VWD3). Also called: Type 3 Von Willebrand's disease; Type 3 VWD; Von Willebrand disease, severe form; V WD3; VON WILLEBRAND DISEASE, TYPE III. Identifiers: Orphanet 166096, MedGen C1264041, MONDO:0010191, OMIM 277480.

Allele frequency attached by ClinVar (database versions not stated): gnomAD exomes below 0.00001; TOPMed below 0.00001; gnomAD 0.00001.
gnomAD v4.1: 3 of 1,614,112 alleles (0.00019%); highest among the groups gnomAD compares: Admixed American, 0.0017%; no homozygotes.

Submissions (2):

Quest Diagnostics Nichols Institute San Juan Capistrano
Classification: Uncertain significance. Last evaluated: 2023-12-19. Review status: criteria provided, single submitter. Criteria: Quest Diagnostics criteria. Collection method: clinical testing. Allele origin: unknown.
Comment: The VWF c.6634T>C (p.Cys2212Arg) variant has been reported in the published literature in an individual with Type 3 von Willebrand disease, presenting with high bleeding score and undetectable plasma VWF levels (PMID: 22674667 (2012)). This variant has not been reported in large, multi-ethnic general populations (Genome Aggregation Database). Analysis of this variant using bioinformatics tools for the prediction of the effect of amino acid changes on protein structure and function yielded predictions that this variant is damaging. Based on the available information, we are unable to determine the clinical significance of this variant.

Angelo Bianchi Bonomi Hemophilia and Thrombosis Center, Fondazione IRCCS Ca Granda Ospedale Maggiore Policlinico
Classification: Likely pathogenic for von Willebrand disease type 3. Last evaluated: 2020-11-01. Review status: no assertion criteria provided. Collection method: clinical testing. Allele origin: germline. Affected: yes. Study: Type 3 Von Willebrand International Registries Inhibitor Prospective Study (3WINTERS-IPS). Not counted in ClinVar's aggregate classification.
Comment: ClinGen Pathogenicity Calculator

Literature cited by the submitters: PubMed 34351388 (cited by Quest Diagnostics Nichols Institute San Juan Capistrano); PubMed 22674667 (cited by Quest Diagnostics Nichols Institute San Juan Capistrano).

NM_000552.5(VWF):c.6634T>C (p.Cys2212Arg)

Gene: VWF (von Willebrand factor; minus strand). Cytogenetic location: 12p13.31.
Variant type: single nucleotide variant.
Coding change: c.6634T>C on transcript NM_000552.5 (MANE Select); coding-DNA position 6634, T replaced by C.
Protein change: p.Cys2212Arg; replaces cysteine 2212 with arginine.
Molecular consequence: missense variant.
Genome position (GRCh38, 1-based): chr12:5,991,983, A>G on the plus strand (T>C on the coding strand, the complement: VWF is on the minus strand). VCF-style: chr12-5991983-A-G. GRCh37 (hg19) VCF-style: chr12-6101149-A-G.
Other names: c.6634T>C (NM_000552.4); short protein forms C2212R.
Identifiers: ClinVar variation 1065286 (VCV001065286.4), dbSNP rs1943750562, ClinGen allele CA383490202.